The following is an entry in ClinVar:

ClinVar aggregate classification (germline): Uncertain significance (1 of 4 stars; one submission).

Conditions:
Cutis laxa, autosomal dominant 3 (ADCL3). Identifiers: Orphanet 90348, MedGen C4225268, MONDO:0014706, OMIM 616603.
Autosomal dominant spastic paraplegia type 9. Identifiers: MedGen C1832669, MONDO:0015091.
de Barsy syndrome. Also called: Cutis laxa-corneal clouding-oligophrenia syndrome. Identifiers: Orphanet 2962, MedGen C0268354, MONDO:0017569.

Submissions (2):

Labcorp Genetics (formerly Invitae), Labcorp
Classification: Uncertain significance for Autosomal dominant spastic paraplegia type 9; de Barsy syndrome; Cutis laxa, autosomal dominant 3. Last evaluated: 2024-08-05. Review status: criteria provided, single submitter. Criteria: Invitae Variant Classification Sherloc (09022015). Collection method: clinical testing. Allele origin: germline.
Comment: This sequence change replaces valine, which is neutral and non-polar, with leucine, which is neutral and non-polar, at codon 238 of the ALDH18A1 protein (p.Val238Leu). This variant is not present in population databases (gnomAD no frequency). This variant has not been reported in the literature in individuals affected with ALDH18A1-related conditions. Advanced modeling of protein sequence and biophysical properties (such as structural, functional, and spatial information, amino acid conservation, physicochemical variation, residue mobility, and thermodynamic stability) has been performed at Invitae for this missense variant, however the output from this modeling did not meet the statistical confidence thresholds required to predict the impact of this variant on ALDH18A1 protein function. In summary, the available evidence is currently insufficient to determine the role of this variant in disease. Therefore, it has been classified as a Variant of Uncertain Significance.

Dr. Peter K. Rogan Lab, Western University
No classification provided (evidence only). Condition: Ovarian serous cystadenocarcinoma. Review status: no classification provided. Collection method: in vitro. Allele origin: not applicable. Functional consequence: retained intron. Not counted in ClinVar's aggregate classification.

NM_002860.4(ALDH18A1):c.712G>T (p.Val238Leu)

Gene: ALDH18A1 (aldehyde dehydrogenase 18 family member A1; minus strand). Cytogenetic location: 10q24.1.
Variant type: single nucleotide variant.
Coding change: c.712G>T on transcript NM_002860.4 (MANE Select); coding-DNA position 712, G replaced by T.
Protein change: p.Val238Leu; replaces valine 238 with leucine.
Molecular consequence: missense variant. On other transcripts: splice donor variant (3).
Genome position (GRCh38, 1-based): chr10:95,633,496, C>A on the plus strand (G>T on the coding strand, the complement: ALDH18A1 is on the minus strand). VCF-style: chr10-95633496-C-A. GRCh37 (hg19) VCF-style: chr10-97393253-C-A.
Other names: c.379G>T, p.Val127Leu (NM_001323412.2, NM_001323416.2); c.712G>T, p.Val238Leu (NM_001323413.2, NM_001323414.2); c.607G>T, p.Val203Leu (NM_001323417.2); c.76G>T, p.Val26Leu (NM_001323419.2); c.711+1G>T (NM_001017423.2, NM_001323415.2); c.378+1G>T (NM_001323418.2); short protein forms V127L, V203L, V238L, V26L.
Identifiers: ClinVar variation 3753431 (VCV003753431.3).